The following is an entry in ClinVar:

ClinVar aggregate classification (germline): Uncertain significance (1 of 4 stars; one submission).

Submission:

Labcorp Genetics (formerly Invitae), Labcorp
Classification: Uncertain significance. Last evaluated: 2024-04-29. Review status: criteria provided, single submitter. Criteria: Invitae Variant Classification Sherloc (09022015). Collection method: clinical testing. Allele origin: germline.
Comment: This sequence change replaces glycine, which is neutral and non-polar, with valine, which is neutral and non-polar, at codon 129 of the SNRPB protein (p.Gly129Val). This variant is not present in population databases (gnomAD no frequency). This variant has not been reported in the literature in individuals affected with SNRPB-related conditions. An algorithm developed to predict the effect of missense changes on protein structure and function (PolyPhen-2) suggests that this variant is likely to be disruptive. In summary, the available evidence is currently insufficient to determine the role of this variant in disease. Therefore, it has been classified as a Variant of Uncertain Significance.

NM_003091.4(SNRPB):c.386G>T (p.Gly129Val)

Gene: SNRPB (small nuclear ribonucleoprotein polypeptides B and B1; minus strand). Cytogenetic location: 20p13.
Variant type: single nucleotide variant.
Coding change: c.386G>T on transcript NM_003091.4 (MANE Select); coding-DNA position 386, G replaced by T.
Protein change: p.Gly129Val; replaces glycine 129 with valine.
Molecular consequence: missense variant.
Genome position (GRCh38, 1-based): chr20:2,463,781, C>A on the plus strand (G>T on the coding strand, the complement: SNRPB is on the minus strand). VCF-style: chr20-2463781-C-A. GRCh37 (hg19) VCF-style: chr20-2444427-C-A.
Other names: c.386G>T, p.Gly129Val (NM_198216.2); short protein forms G129V.
Identifiers: ClinVar variation 3651507 (VCV003651507.2).